The following is an entry in ClinVar:

NM_052867.4(NALCN):c.5127G>A (p.Ala1709=)

Genes: NALCN (sodium leak channel, non-selective; minus strand), NALCN-AS1 (NALCN antisense RNA 1; plus strand). Cytogenetic location: 13q32.3.
Variant type: single nucleotide variant.
Coding change: c.5127G>A on transcript NM_052867.4 (MANE Select); coding-DNA position 5127, G replaced by A.
Protein change: p.Ala1709=; no amino-acid change (alanine 1709 retained).
Molecular consequence: synonymous variant. On other transcripts: non-coding transcript variant (1).
Genome position (GRCh38, 1-based): chr13:101,055,385, C>T on the plus strand (G>A on the coding strand, the complement: NALCN is on the minus strand). VCF-style: chr13-101055385-C-T. GRCh37 (hg19) VCF-style: chr13-101707737-C-T.
Other names: c.5214G>A, p.Ala1738= (NM_001350748.2); c.5127G>A, p.Ala1709= (NM_001350749.2); c.5040G>A, p.Ala1680= (NM_001350750.2, NM_001350751.2).
Identifiers: ClinVar variation 1305297 (VCV001305297.28), dbSNP rs111638537, ClinGen allele CA7034913.

ClinVar aggregate classification (germline): Conflicting classifications of pathogenicity. Review status: criteria provided, conflicting classifications (1 of 4 stars). 4 submissions from 4 submitters: Uncertain significance (1); Likely benign (2). 1 of the submissions does not count toward it. Last evaluated 2024-02-01.

Conditions:
NALCN-related disorder. Also called: NALCN-related condition; NALCN-related disorders.

Allele frequency attached by ClinVar (database versions not stated): gnomAD exomes below 0.00001; ExAC 0.00001; gnomAD 0.00005.
gnomAD v4.1: 63 of 1,614,128 alleles (0.0039%); highest among the groups gnomAD compares: African/African-American, 0.011%; no homozygotes.

Submissions (4):

CeGaT Center for Human Genetics Tuebingen
Classification: Likely benign. Last evaluated: 2024-02-01. Review status: criteria provided, single submitter. Criteria: CeGaT Center For Human Genetics Tuebingen Variant Classification Criteria Version 2. Collection method: clinical testing. Allele origin: germline. Affected: yes. Observed: 1 variant allele.
Comment: NALCN: BP4, BP7

Labcorp Genetics (formerly Invitae), Labcorp
Classification: Likely benign. Last evaluated: 2023-01-04. Review status: criteria provided, single submitter. Criteria: Invitae Variant Classification Sherloc (09022015). Collection method: clinical testing. Allele origin: germline.

GeneDx
Classification: Uncertain significance. Last evaluated: 2019-04-23. Review status: criteria provided, single submitter. Criteria: GeneDx Variant Classification Process June 2021. Collection method: clinical testing. Allele origin: germline. Affected: yes.
Comment: Not observed at a significant frequency in large population cohorts (Lek et al., 2016); Has not been previously published as pathogenic or benign to our knowledge; In-silico analysis, which includes splice predictors and evolutionary conservation, is inconclusive as to whether the variant alters gene splicing. In the absence of RNA/functional studies, the actual effect of this sequence change is unknown.

PreventionGenetics, part of Exact Sciences
Classification: Likely benign for NALCN-related condition. Last evaluated: 2021-04-19. Review status: no assertion criteria provided. Collection method: clinical testing. Allele origin: germline. Not counted in ClinVar's aggregate classification.
Comment: This variant is classified as likely benign based on ACMG/AMP sequence variant interpretation guidelines (Richards et al. 2015 PMID: 25741868, with internal and published modifications).